The following is an entry in ClinVar:

NM_001318895.3(FHL2):c.406A>G (p.Ile136Val)

Genes: C2orf49 (chromosome 2 open reading frame 49; plus strand), FHL2 (four and a half LIM domains 2; minus strand). Cytogenetic location: 2q12.2.
Variant type: single nucleotide variant.
Coding change: c.406A>G on transcript NM_001318895.3 (MANE Select); coding-DNA position 406, A replaced by G.
Protein change: p.Ile136Val; replaces isoleucine 136 with valine.
Molecular consequence: missense variant.
Genome position (GRCh38, 1-based): chr2:105,367,665, T>C on the plus strand (A>G on the coding strand, the complement: FHL2 is on the minus strand). VCF-style: chr2-105367665-T-C. GRCh37 (hg19) VCF-style: chr2-105984122-T-C.
Other names: c.406A>G, p.Ile136Val (NM_001039492.3, NM_001318894.1, NM_001318896.2 and 4 more transcripts); c.64A>G, p.Ile22Val (NM_001318897.2, NM_001318898.2); c.82A>G, p.Ile28Val (NM_001318899.2); short protein forms I28V, I136V, I22V.
Identifiers: ClinVar variation 651965 (VCV000651965.6), dbSNP rs780774664, ClinGen allele CA347999924.
Genomic context (GRCh38, chr2:105,367,665, plus strand): 5'-TCTCATAGCAGGGCACACAGAAATTCTGATTGTCTTTGGGGATGAAACTCTTGGTTCCAA[T>C]TGGCTGCTGGCAGCGGTGGCAGATGAAGCAGGTCTCATGCCAGCTGCTGCCCTTGTACTC-3'
Protein context (NP_001305824.1, residues 126-146): CFICHRCQQP[Ile136Val]GTKSFIPKDN

ClinVar aggregate classification (germline): Uncertain significance (1 of 4 stars; one submission).

Conditions:
Primary dilated cardiomyopathy (DCM). Also called: Dilated Cardiomyopathy. Identifiers: Orphanet 217604, MedGen C0007193, MeSH D002311, MONDO:0005021, HP:0001644. Inheritance: Various modes of inheritance.

Allele frequency attached by ClinVar (database versions not stated): gnomAD 0.00001; TOPMed 0.00002.
gnomAD v4.1: 5 of 1,614,110 alleles (0.00031%); highest among the groups gnomAD compares: African/African-American, 0.0027%; no homozygotes.

Submission:

Labcorp Genetics (formerly Invitae), Labcorp
Classification: Uncertain significance for Primary dilated cardiomyopathy. Last evaluated: 2022-06-28. Review status: criteria provided, single submitter. Criteria: Invitae Variant Classification Sherloc (09022015). Collection method: clinical testing. Allele origin: germline.
Comment: This sequence change replaces isoleucine, which is neutral and non-polar, with valine, which is neutral and non-polar, at codon 136 of the FHL2 protein (p.Ile136Val). This variant is not present in population databases (gnomAD no frequency). ClinVar contains an entry for this variant (Variation ID: 651965). This variant has not been reported in the literature in individuals affected with FHL2-related conditions. Algorithms developed to predict the effect of missense changes on protein structure and function (SIFT, PolyPhen-2, Align-GVGD) all suggest that this variant is likely to be disruptive. In summary, the available evidence is currently insufficient to determine the role of this variant in disease. Therefore, it has been classified as a Variant of Uncertain Significance.